The following is an entry in ClinVar:

ClinVar aggregate classification (germline): Uncertain significance (1 of 4 stars; one submission).

Allele frequency attached by ClinVar (database versions not stated): ExAC 0.00001.
gnomAD v4.1: 7 of 1,613,870 alleles (0.00043%); highest among the groups gnomAD compares: Admixed American, 0.0017%; no homozygotes.

Submission:

Labcorp Genetics (formerly Invitae), Labcorp
Classification: Uncertain significance. Last evaluated: 2022-08-07. Review status: criteria provided, single submitter. Criteria: Invitae Variant Classification Sherloc (09022015). Collection method: clinical testing. Allele origin: germline.
Comment: This sequence change replaces methionine, which is neutral and non-polar, with isoleucine, which is neutral and non-polar, at codon 473 of the TSEN54 protein (p.Met473Ile). This variant is present in population databases (rs776603642, gnomAD no frequency). This variant has not been reported in the literature in individuals affected with TSEN54-related conditions. Algorithms developed to predict the effect of missense changes on protein structure and function (SIFT, PolyPhen-2, Align-GVGD) all suggest that this variant is likely to be tolerated. In summary, the available evidence is currently insufficient to determine the role of this variant in disease. Therefore, it has been classified as a Variant of Uncertain Significance.

NM_207346.3(TSEN54):c.1419G>A (p.Met473Ile)

Gene: TSEN54 (tRNA splicing endonuclease subunit 54; plus strand). Cytogenetic location: 17q25.1.
Variant type: single nucleotide variant.
Coding change: c.1419G>A on transcript NM_207346.3 (MANE Select); coding-DNA position 1419, G replaced by A.
Protein change: p.Met473Ile; replaces methionine 473 with isoleucine.
Molecular consequence: missense variant.
Genome position (GRCh38, 1-based): chr17:75,523,768, G>A. VCF-style: chr17-75523768-G-A. GRCh37 (hg19) VCF-style: chr17-73519849-G-A.
Other names: short protein forms M473I.
Identifiers: ClinVar variation 1972949 (VCV001972949.2), dbSNP rs776603642, ClinGen allele CA8764434.